The following is an entry in ClinVar:

ClinVar aggregate classification (germline): Uncertain significance (1 of 4 stars; one submission).

Allele frequency attached by ClinVar (database versions not stated): gnomAD 0.00001; gnomAD exomes 0.00001; TOPMed 0.00001; ExAC 0.00001.
gnomAD v4.1: 9 of 1,608,272 alleles (0.00056%); highest among the groups gnomAD compares: Non-Finnish European, 0.00076%; no homozygotes.

Submission:

Labcorp Genetics (formerly Invitae), Labcorp
Classification: Uncertain significance. Last evaluated: 2025-12-03. Review status: criteria provided, single submitter. Criteria: Invitae Variant Classification Sherloc (09022015). Collection method: clinical testing. Allele origin: germline.
Comment: This sequence change replaces tyrosine, which is neutral and polar, with cysteine, which is neutral and slightly polar, at codon 97 of the LRRK1 protein (p.Tyr97Cys). This variant is present in population databases (rs773149239, gnomAD 0.003%). This variant has not been reported in the literature in individuals affected with LRRK1-related conditions. ClinVar contains an entry for this variant (Variation ID: 2983861). An algorithm developed to predict the effect of missense changes on protein structure and function (PolyPhen-2) suggests that this variant is likely to be disruptive. In summary, the available evidence is currently insufficient to determine the role of this variant in disease. Therefore, it has been classified as a Variant of Uncertain Significance.

NM_024652.6(LRRK1):c.290A>G (p.Tyr97Cys)

Gene: LRRK1 (leucine rich repeat kinase 1; plus strand). Cytogenetic location: 15q26.3.
Variant type: single nucleotide variant.
Coding change: c.290A>G on transcript NM_024652.6 (MANE Select); coding-DNA position 290, A replaced by G.
Protein change: p.Tyr97Cys; replaces tyrosine 97 with cysteine.
Molecular consequence: missense variant.
Genome position (GRCh38, 1-based): chr15:100,983,556, A>G. VCF-style: chr15-100983556-A-G. GRCh37 (hg19) VCF-style: chr15-101523761-A-G.
Other names: short protein forms Y97C.
Identifiers: ClinVar variation 2983861 (VCV002983861.3), dbSNP rs773149239, ClinGen allele CA7760534.